The following is an entry in ClinVar:

NM_000094.4(COL7A1):c.6515C>T (p.Pro2172Leu)

Gene: COL7A1 (collagen type VII alpha 1 chain; minus strand). Cytogenetic location: 3p21.31.
Variant type: single nucleotide variant.
Coding change: c.6515C>T on transcript NM_000094.4 (MANE Select); coding-DNA position 6515, C replaced by T.
Protein change: p.Pro2172Leu; replaces proline 2172 with leucine.
Molecular consequence: missense variant.
Genome position (GRCh38, 1-based): chr3:48,573,877, G>A on the plus strand (C>T on the coding strand, the complement: COL7A1 is on the minus strand). VCF-style: chr3-48573877-G-A. GRCh37 (hg19) VCF-style: chr3-48611310-G-A.
Other names: short protein forms P2172L.
Identifiers: ClinVar variation 1981386 (VCV001981386.5), dbSNP rs998338876, ClinGen allele CA73976201.

ClinVar aggregate classification (germline): Uncertain significance. Review status: criteria provided, multiple submitters, no conflicts (2 of 4 stars). 2 submissions from 2 submitters: Uncertain significance (2). Last evaluated 2024-07-27.

Allele frequency attached by ClinVar (database versions not stated): gnomAD exomes below 0.00001.

Submissions (2):

Women's Health and Genetics/Laboratory Corporation of America, LabCorp
Classification: Uncertain significance. Last evaluated: 2024-07-27. Review status: criteria provided, single submitter. Criteria: LabCorp Variant Classification Summary - May 2015. Collection method: clinical testing. Allele origin: germline.

Labcorp Genetics (formerly Invitae), Labcorp
Classification: Uncertain significance. Last evaluated: 2023-07-10. Review status: criteria provided, single submitter. Criteria: Invitae Variant Classification Sherloc (09022015). Collection method: clinical testing. Allele origin: germline.
Comment: In summary, the available evidence is currently insufficient to determine the role of this variant in disease. Therefore, it has been classified as a Variant of Uncertain Significance. This sequence change replaces proline, which is neutral and non-polar, with leucine, which is neutral and non-polar, at codon 2172 of the COL7A1 protein (p.Pro2172Leu). This variant is not present in population databases (gnomAD no frequency). This variant has not been reported in the literature in individuals affected with COL7A1-related conditions. ClinVar contains an entry for this variant (Variation ID: 1981386). Advanced modeling of protein sequence and biophysical properties (such as structural, functional, and spatial information, amino acid conservation, physicochemical variation, residue mobility, and thermodynamic stability) performed at Invitae indicates that this missense variant is not expected to disrupt COL7A1 protein function.